The following is an entry in ClinVar:

NM_000257.4(MYH7):c.4486G>A (p.Glu1496Lys)

Genes: MHRT (myosin heavy chain associated RNA transcript; plus strand), MYH7 (myosin heavy chain 7; minus strand). Cytogenetic location: 14q11.2.
Variant type: single nucleotide variant.
Coding change: c.4486G>A on transcript NM_000257.4 (MANE Select); coding-DNA position 4486, G replaced by A.
Protein change: p.Glu1496Lys; replaces glutamic acid 1496 with lysine.
Molecular consequence: missense variant.
Genome position (GRCh38, 1-based): chr14:23,417,186, C>T on the plus strand (G>A on the coding strand, the complement: MYH7 is on the minus strand). VCF-style: chr14-23417186-C-T. GRCh37 (hg19) VCF-style: chr14-23886395-C-T.
Other names: c.4486G>A, p.Glu1496Lys (NM_001407004.1); short protein forms E1496K.
Identifiers: ClinVar variation 2155573 (VCV002155573.4), dbSNP rs2502249883, ClinGen allele CA389038312.

ClinVar aggregate classification (germline): Likely pathogenic (1 of 4 stars; one submission).

Conditions:
Hypertrophic cardiomyopathy. Also called: HYPERTROPHIC MYOCARDIOPATHY. Identifiers: Orphanet 217569, MedGen C0007194, MeSH D002312, MONDO:0005045, HP:0001639.

Submission:

Labcorp Genetics (formerly Invitae), Labcorp
Classification: Likely pathogenic for Hypertrophic cardiomyopathy. Last evaluated: 2025-06-08. Review status: criteria provided, single submitter. Criteria: Invitae Variant Classification Sherloc (09022015). Collection method: clinical testing. Allele origin: germline.
Comment: This sequence change replaces glutamic acid, which is acidic and polar, with lysine, which is basic and polar, at codon 1496 of the MYH7 protein (p.Glu1496Lys). This variant is not present in population databases (gnomAD no frequency). This variant has not been reported in the literature in individuals affected with MYH7-related conditions. ClinVar contains an entry for this variant (Variation ID: 2155573). Invitae Evidence Modeling of protein sequence and biophysical properties (such as structural, functional, and spatial information, amino acid conservation, physicochemical variation, residue mobility, and thermodynamic stability) indicates that this missense variant is expected to disrupt MYH7 protein function with a positive predictive value of 95%. This variant disrupts the p.Glu1496 amino acid residue in MYH7. Other variant(s) that disrupt this residue have been determined to be pathogenic (PMID: 16715312, 24793961; internal data). This suggests that this residue is clinically significant, and that variants that disrupt this residue are likely to be disease-causing. In summary, the currently available evidence indicates that the variant is pathogenic, but additional data are needed to prove that conclusively. Therefore, this variant has been classified as Likely Pathogenic.

Literature cited by the submitters: PubMed 16715312; PubMed 24793961.